The following is an entry in ClinVar:

NM_001854.4(COL11A1):c.2421A>T (p.Arg807Ser)

Gene: COL11A1 (collagen type XI alpha 1 chain; minus strand). Cytogenetic location: 1p21.1.
Variant type: single nucleotide variant.
Coding change: c.2421A>T on transcript NM_001854.4 (MANE Select); coding-DNA position 2421, A replaced by T.
Protein change: p.Arg807Ser; replaces arginine 807 with serine.
Molecular consequence: missense variant. On other transcripts: non-coding transcript variant (1).
Genome position (GRCh38, 1-based): chr1:102,987,714, T>A on the plus strand (A>T on the coding strand, the complement: COL11A1 is on the minus strand). VCF-style: chr1-102987714-T-A. GRCh37 (hg19) VCF-style: chr1-103453270-T-A.
Other names: DFNA37; c.2304A>T, p.Arg768Ser (NM_001190709.2); c.2457A>T, p.Arg819Ser (NM_080629.3); c.2073A>T, p.Arg691Ser (NM_080630.4); short protein forms R691S, R768S, R807S, R819S.
Identifiers: ClinVar variation 1205360 (VCV001205360.19), dbSNP rs367824632, ClinGen allele CA974434.

ClinVar aggregate classification (germline): Conflicting classifications of pathogenicity. Review status: criteria provided, conflicting classifications (1 of 4 stars). 7 submissions from 7 submitters: Uncertain significance (2); Likely benign (2). 3 of the submissions do not count toward it. Last evaluated 2026-01-26.

Conditions:
Hearing loss, autosomal dominant 37. Also called: DEAFNESS, AUTOSOMAL DOMINANT 37. Identifiers: MedGen C4760307, MONDO:0032802, OMIM 618533.
Retinal dystrophy. Also called: Inherited retinal dystrophy. Identifiers: Orphanet 71862, MedGen C0854723, MeSH D058499, MONDO:0019118, HP:0000556.

Allele frequency attached by ClinVar (database versions not stated): TOPMed 0.00007; ESP Exome Variant Server 0.00008; gnomAD exomes 0.00012 and 0.00021; ExAC 0.00025.
gnomAD v4.1: 214 of 1,613,578 alleles (0.013%); highest among the groups gnomAD compares: Middle Eastern, 0.23%; 3 homozygotes.

Submissions (7):

Labcorp Genetics (formerly Invitae), Labcorp
Classification: Likely benign. Last evaluated: 2026-01-26. Review status: criteria provided, single submitter. Criteria: Invitae Variant Classification Sherloc (09022015). Collection method: clinical testing. Allele origin: germline.

GeneDx
Classification: Uncertain significance. Last evaluated: 2025-12-18. Review status: criteria provided, single submitter. Criteria: GeneDx Variant Classification Process June 2021. Collection method: clinical testing. Allele origin: germline. Affected: yes.
Comment: In silico analysis supports that this missense variant has a deleterious effect on protein structure/function; Has not been previously published as pathogenic or benign to our knowledge

Laboratory of Prof. Karen Avraham, Tel Aviv University
Classification: Uncertain significance for Hearing loss, autosomal dominant 37. Last evaluated: 2024-12-25. Review status: criteria provided, single submitter. Criteria: ACMG Guidelines, 2015. Collection method: research. Allele origin: germline. Affected: yes. Observed: 1 variant allele.
Comment: The COL11A1 c.2421A>T:p.(Arg807Ser) is extremely rare and predicted deleterious.

Blueprint Genetics
Classification: Likely benign. Last evaluated: 2024-11-23. Review status: criteria provided, single submitter. Criteria: ACMG Guidelines, 2015. Collection method: clinical testing. Allele origin: germline.

Institute of Human Genetics, Univ. Regensburg, Univ. Regensburg
Classification: Uncertain significance for Retinal dystrophy. Last evaluated: 2022-01-01. Review status: no assertion criteria provided. Criteria: ACMG Guidelines, 2015. Collection method: clinical testing. Allele origin: germline. Affected: yes. Not counted in ClinVar's aggregate classification.

Clinical Genetics DNA and cytogenetics Diagnostics Lab, Erasmus MC, Erasmus Medical Center
Classification: Uncertain significance. Review status: no assertion criteria provided. Collection method: clinical testing. Allele origin: germline. Affected: yes. Study: VKGL Data-share Consensus. Not counted in ClinVar's aggregate classification.

Joint Genome Diagnostic Labs from Nijmegen and Maastricht, Radboudumc and MUMC+
Classification: Uncertain significance. Review status: no assertion criteria provided. Collection method: clinical testing. Allele origin: germline. Affected: yes. Study: VKGL Data-share Consensus. Not counted in ClinVar's aggregate classification.